The following is an entry in ClinVar:

ClinVar aggregate classification (germline): Uncertain significance (1 of 4 stars; one submission).

Submission:

Ambry Genetics
Classification: Uncertain significance. Last evaluated: 2021-11-16. Review status: criteria provided, single submitter. Criteria: Ambry Variant Classification Scheme 2023. Collection method: clinical testing. Allele origin: germline.
Comment: The p.V2558F variant (also known as c.7672G>T), located in coding exon 30 of the POLQ gene, results from a G to T substitution at nucleotide position 7672. The valine at codon 2558 is replaced by phenylalanine, an amino acid with highly similar properties. This amino acid position is conserved. In addition, this alteration is predicted to be deleterious by in silico analysis. Since supporting evidence is limited at this time, the clinical significance of this alteration remains unclear.

NM_199420.4(POLQ):c.7672G>T (p.Val2558Phe)

Gene: POLQ (DNA polymerase theta; minus strand). Cytogenetic location: 3q13.33.
Variant type: single nucleotide variant.
Coding change: c.7672G>T on transcript NM_199420.4 (MANE Select); coding-DNA position 7672, G replaced by T.
Protein change: p.Val2558Phe; replaces valine 2558 with phenylalanine.
Molecular consequence: missense variant.
Genome position (GRCh38, 1-based): chr3:121,432,405, C>A on the plus strand (G>T on the coding strand, the complement: POLQ is on the minus strand). VCF-style: chr3-121432405-C-A. GRCh37 (hg19) VCF-style: chr3-121151252-C-A.
Other names: short protein forms V2558F.
Identifiers: ClinVar variation 1760083 (VCV001760083.2), dbSNP rs995367527, ClinGen allele CA354093260.
Genomic context (GRCh38, chr3:121,432,405, plus strand): 5'-TTTTCACTTTCACTTTCAATTTCACAGACAGTTTTACAGCACTTTCCATTTCATTCTTGA[C>A]AATCTGAGCTACCTAAGGAAAAAAAAAATGTAGTTAACAAACTGCCCAGTCAAAGAATGT-3'
Protein context (NP_955452.3, residues 2548-2568): EEDVVQVAQI[Val2558Phe]KNEMESAVKL